The following is an entry in ClinVar:

ClinVar aggregate classification (germline): Uncertain significance (1 of 4 stars; one submission).

Submission:

Labcorp Genetics (formerly Invitae), Labcorp
Classification: Uncertain significance. Last evaluated: 2025-02-20. Review status: criteria provided, single submitter. Criteria: Invitae Variant Classification Sherloc (09022015). Collection method: clinical testing. Allele origin: germline.
Comment: This sequence change replaces proline, which is neutral and non-polar, with leucine, which is neutral and non-polar, at codon 305 of the AUTS2 protein (p.Pro305Leu). This variant is not present in population databases (gnomAD no frequency). This variant has not been reported in the literature in individuals affected with AUTS2-related conditions. An algorithm developed to predict the effect of missense changes on protein structure and function outputs the following: PolyPhen-2: "Benign". The leucine amino acid residue is found in multiple mammalian species, which suggests that this missense change does not adversely affect protein function. In summary, the available evidence is currently insufficient to determine the role of this variant in disease. Therefore, it has been classified as a Variant of Uncertain Significance.

NM_015570.4(AUTS2):c.914C>T (p.Pro305Leu)

Gene: AUTS2 (activator of transcription and developmental regulator AUTS2; plus strand). Cytogenetic location: 7q11.22.
Variant type: single nucleotide variant.
Coding change: c.914C>T on transcript NM_015570.4 (MANE Select); coding-DNA position 914, C replaced by T.
Protein change: p.Pro305Leu; replaces proline 305 with leucine.
Molecular consequence: missense variant.
Genome position (GRCh38, 1-based): chr7:70,763,041, C>T. VCF-style: chr7-70763041-C-T. GRCh37 (hg19) VCF-style: chr7-70228027-C-T.
Other names: c.914C>T, p.Pro305Leu (NM_001127231.3); short protein forms P305L.
Identifiers: ClinVar variation 4767817 (VCV004767817.1).